The following is an entry in ClinVar:

ClinVar aggregate classification (germline): Uncertain significance (1 of 4 stars; one submission).

Submission:

GeneDx
Classification: Uncertain significance. Last evaluated: 2025-06-18. Review status: criteria provided, single submitter. Criteria: GeneDx Variant Classification Process June 2021. Collection method: clinical testing. Allele origin: germline. Affected: yes.
Comment: Not observed at significant frequency in large population cohorts (gnomAD); In silico analysis supports that this missense variant has a deleterious effect on protein structure/function; Has not been previously published as pathogenic or benign to our knowledge; This variant is associated with the following publications: (PMID: 27535533)

NM_001257096.2(PAX1):c.333C>A (p.Asn111Lys)

Gene: PAX1 (paired box 1; plus strand). Cytogenetic location: 20p11.22.
Variant type: single nucleotide variant.
Coding change: c.333C>A on transcript NM_001257096.2 (MANE Select); coding-DNA position 333, C replaced by A.
Protein change: p.Asn111Lys; replaces asparagine 111 with lysine.
Molecular consequence: missense variant.
Genome position (GRCh38, 1-based): chr20:21,706,484, C>A. VCF-style: chr20-21706484-C-A. GRCh37 (hg19) VCF-style: chr20-21687122-C-A.
Other names: c.333C>A, p.Asn111Lys (NM_006192.5); short protein forms N111K.
Identifiers: ClinVar variation 4538593 (VCV004538593.1).
Genomic context (GRCh38, chr20:21,706,484, plus strand): 5'-TGGCGCATCCGCAGAGCAGACGTATGGCGAGGTGAACCAGCTGGGCGGTGTGTTCGTCAA[C>A]GGCCGCCCCCTGCCCAACGCCATCCGCTTGCGCATTGTGGAGCTGGCGCAGCTGGGCATC-3'
Protein context (NP_001244025.1, residues 101-121): EVNQLGGVFV[Asn111Lys]GRPLPNAIRL